The following is an entry in ClinVar:

NM_005802.5(TOPORS):c.2999A>G (p.Glu1000Gly)

Gene: TOPORS (TOP1 binding arginine/serine rich protein, E3 ubiquitin ligase; minus strand). Cytogenetic location: 9p21.1.
Variant type: single nucleotide variant.
Coding change: c.2999A>G on transcript NM_005802.5 (MANE Select); coding-DNA position 2999, A replaced by G.
Protein change: p.Glu1000Gly; replaces glutamic acid 1000 with glycine.
Molecular consequence: missense variant.
Genome position (GRCh38, 1-based): chr9:32,541,526, T>C on the plus strand (A>G on the coding strand, the complement: TOPORS is on the minus strand). VCF-style: chr9-32541526-T-C. GRCh37 (hg19) VCF-style: chr9-32541524-T-C.
Other names: c.2804A>G, p.Glu935Gly (NM_001195622.2); short protein forms E1000G, E935G.
Identifiers: ClinVar variation 2694124 (VCV002694124.3), dbSNP rs2489443983, ClinGen allele CA373159658.

ClinVar aggregate classification (germline): Uncertain significance (1 of 4 stars; one submission).

Submission:

Labcorp Genetics (formerly Invitae), Labcorp
Classification: Uncertain significance. Last evaluated: 2023-11-16. Review status: criteria provided, single submitter. Criteria: Invitae Variant Classification Sherloc (09022015). Collection method: clinical testing. Allele origin: germline.
Comment: This sequence change replaces glutamic acid, which is acidic and polar, with glycine, which is neutral and non-polar, at codon 1000 of the TOPORS protein (p.Glu1000Gly). This variant is not present in population databases (gnomAD no frequency). This variant has not been reported in the literature in individuals affected with TOPORS-related conditions. Experimental studies and prediction algorithms are not available or were not evaluated, and the functional significance of this variant is currently unknown. In summary, the available evidence is currently insufficient to determine the role of this variant in disease. Therefore, it has been classified as a Variant of Uncertain Significance.